The following is an entry in ClinVar:

NM_005121.3(MED13):c.1919A>G (p.Asp640Gly)

Gene: MED13 (mediator complex subunit 13; minus strand). Cytogenetic location: 17q23.2.
Variant type: single nucleotide variant.
Coding change: c.1919A>G on transcript NM_005121.3 (MANE Select); coding-DNA position 1919, A replaced by G.
Protein change: p.Asp640Gly; replaces aspartic acid 640 with glycine.
Molecular consequence: missense variant.
Genome position (GRCh38, 1-based): chr17:62,010,598, T>C on the plus strand (A>G on the coding strand, the complement: MED13 is on the minus strand). VCF-style: chr17-62010598-T-C. GRCh37 (hg19) VCF-style: chr17-60087959-T-C.
Other names: short protein forms D640G.
Identifiers: ClinVar variation 4886041 (VCV004886041.2).

ClinVar aggregate classification (germline): Uncertain significance (1 of 4 stars; one submission).

gnomAD v4.1: 2 of 1,494,952 alleles (0.00013%); highest among the groups gnomAD compares: African/African-American, 0.0014%; no homozygotes.

Submission:

Dasa
Classification: Uncertain significance. Last evaluated: 2025-10-28. Review status: criteria provided, single submitter. Criteria: DASA Assertion Criteria. Collection method: clinical testing. Allele origin: germline.
Comment: NM_005121.3(MED13):c.1919A>G (p.Asp640Gly) is a missense variant that results in the substitution of aspartic acid with glycine. This variant is rare in population databases. The currently available literature and clinical evidence are not sufficient to establish a definitive association between this variant and the reported condition. Therefore, this variant is classified as a variant of uncertain significance.